The following is an entry in ClinVar:

ClinVar aggregate classification (germline): Pathogenic. Review status: reviewed by expert panel (3 of 4 stars). 8 submissions from 8 submitters: Pathogenic (1). 7 of the submissions do not count toward it. Last evaluated 2020-04-13.

Conditions:
Phenylketonuria (PKU). Also called: Phenylketonuria (PKU); Phenylketonurias; OLIGOPHRENIA PHENYLPYRUVICA; FOLLING DISEASE. Identifiers: Orphanet 716, MedGen C0031485, MONDO:0009861, OMIM 261600. Disease mechanism: loss of function.

Allele frequency attached by ClinVar (database versions not stated): gnomAD exomes below 0.00001.
gnomAD v4.1: 2 of 1,611,148 alleles (0.00012%); highest among the groups gnomAD compares: East Asian, 0.0022%; no homozygotes.

Submissions (8):

ClinGen PAH Variant Curation Expert Panel
Classification: Pathogenic for Phenylketonuria. Last evaluated: 2020-04-13. Review status: reviewed by expert panel. Criteria: ClinGen PAH ACMG Specifications v1. Collection method: curation. Allele origin: germline. Inheritance: Autosomal recessive inheritance.
Comment: The c.977G>A (p.Trp326Ter) is a variant in PAH is a null variant (nonsense variant) in a gene where LOF is a known mechanism of disease, leading to premature truncation and NMD (PVS1). It is present at extremely low frequencies in ethnically diverse control databases (gnomAD AF 0.00000399; PAH PM2 cutoff: <0.0002) (PM2). It has been identified in at least five PKU cases in whom BH4 deficiency was excluded (PP4_Moderate), in four cases in trans with known pathogenic variants (PM3_VeryStrong). It has been identified in at least two Chinese classic PKU cases (PMID: 261600; PMID: 1301927; PMID: 28982351), in trans with the known pathogenic (per PAH VCEP) p.Y356X and p.R243Q variants; It is also listed Pathogenic in ClinVar by three labs (variant ID 579). Classification: Pathogenic Supporting Criteria: PVS1, PM2; PM3_VeryStrong; PP4_Moderate

Dasa
Classification: Pathogenic. Last evaluated: 2024-04-29. Review status: criteria provided, single submitter. Criteria: DASA Assertion Criteria. Collection method: clinical testing. Allele origin: germline. Not counted in ClinVar's aggregate classification.
Comment: NM_000277.3(PAH):c.977G>A (p.Trp326*) introduces a premature termination codon predicted to result in loss of normal protein function. Loss-of-function is an established mechanism of disease for this gene. This variant has been recurrently observed in individuals with related phenotype (PMID: 25456745; PMID: 23932990; PMID: 1349576). The variant is present at low frequency in population datasets. Based on the available data, this variant is classified as pathogenic.

Natera, Inc.
Classification: Pathogenic for Phenylketonuria. Last evaluated: 2024-04-05. Review status: criteria provided, single submitter. Criteria: Natera Variant Classification Schema (03/2026). Collection method: clinical testing. Allele origin: germline. Not counted in ClinVar's aggregate classification.
Comment: The c.977G>A variant in PAH is a nonsense variant predicted to introduce a stop codon at amino acid 326. This variant is expected to result in nonsense mediated decay, truncation, or a dysfunctional protein product. This variant is rare in the general population with a frequency below the threshold expected for the associated phenotype(s). This variant has been observed in one or more individuals affected with the associated recessive disease, as either homozygous or compound heterozygous with a second variant (PMID: 30050108). Given the available evidence, this variant is classified as Pathogenic.

Baylor Genetics
Classification: Pathogenic for Phenylketonuria. Last evaluated: 2023-11-22. Review status: criteria provided, single submitter. Criteria: ACMG Guidelines, 2015. Collection method: clinical testing. Allele origin: unknown. Not counted in ClinVar's aggregate classification.

Labcorp Genetics (formerly Invitae), Labcorp
Classification: Pathogenic for Phenylketonuria. Last evaluated: 2021-03-29. Review status: criteria provided, single submitter. Criteria: Invitae Variant Classification Sherloc (09022015). Collection method: clinical testing. Allele origin: germline. Not counted in ClinVar's aggregate classification.
Comment: For these reasons, this variant has been classified as Pathogenic. This variant has been observed in individual(s) with hyperphenylalaninemia (PMID: 29499199). ClinVar contains an entry for this variant (Variation ID: 579). This variant is not present in population databases (ExAC no frequency). This sequence change creates a premature translational stop signal (p.Trp326*) in the PAH gene. It is expected to result in an absent or disrupted protein product. Loss-of-function variants in PAH are known to be pathogenic (PMID: 1301187, 9634518).

Counsyl
Classification: Pathogenic for Phenylketonuria. Last evaluated: 2018-04-20. Review status: no assertion criteria provided. Collection method: clinical testing. Allele origin: unknown. Not counted in ClinVar's aggregate classification.

OMIM
Classification: Pathogenic for PHENYLKETONURIA. Last evaluated: 1989-11-01. Review status: no assertion criteria provided. Collection method: literature only. Allele origin: germline. Not counted in ClinVar's aggregate classification.

DeBelle Laboratory for Biochemical Genetics, MUHC/MCH RESEARCH INSTITUTE
No classification provided. Review status: no classification provided. Collection method: not provided. Allele origin: not provided. Not counted in ClinVar's aggregate classification.

Literature cited by the submitters: PubMed 24705691 (cited by ClinGen PAH Variant Curation Expert Panel); PubMed 25456745 (cited by ClinGen PAH Variant Curation Expert Panel and Dasa); PubMed 23932990 (cited by Dasa and Counsyl); PubMed 1349576 (cited by Dasa); PubMed 30050108 (cited by Natera, Inc.); PubMed 29499199 (cited by Labcorp Genetics (formerly Invitae), Labcorp); PubMed 1301187 (cited by Labcorp Genetics (formerly Invitae), Labcorp); PubMed 9634518 (cited by Labcorp Genetics (formerly Invitae), Labcorp); PubMed 23764561 (cited by Counsyl); PubMed 28982351 (cited by Counsyl); Wang, T., Woo, S. L. C. Personal Communication. 1990. Houston, Tex. (cited by OMIM); PubMed 2816939 (cited by OMIM).

NM_000277.3(PAH):c.977G>A (p.Trp326Ter)

Gene: PAH (phenylalanine hydroxylase; minus strand). Cytogenetic location: 12q23.2.
Variant type: single nucleotide variant.
Coding change: c.977G>A on transcript NM_000277.3 (MANE Select); coding-DNA position 977, G replaced by A.
Protein change: p.Trp326Ter; replaces tryptophan 326 with a stop codon.
Molecular consequence: nonsense.
Genome position (GRCh38, 1-based): chr12:102,844,424, C>T on the plus strand (G>A on the coding strand, the complement: PAH is on the minus strand). VCF-style: chr12-102844424-C-T. GRCh37 (hg19) VCF-style: chr12-103238202-C-T.
Other names: c.977G>A, p.Trp326Ter (NM_001354304.2); c.977G>A (NM_000277.2); short protein forms W326*.
Identifiers: ClinVar variation 579 (VCV000000579.93), dbSNP rs62514959, ClinGen allele CA229887.
Genomic context (GRCh38, chr12:102,844,424, plus strand): 5'-CCAGCACCATATGCCTTTATGGAGTCTCCTTGTTTGCAGAGCCCAAACTCCACAGTAAAC[C>T]AGTAAATCTGGAATGGAAAGTCAATCTGAGAGCACACTCTATGATGGTTAATTTTATGTG-3'